The following is an entry in ClinVar:

ClinVar aggregate classification (germline): Uncertain significance (1 of 4 stars; one submission).

Conditions:
Spondylocostal dysostosis 3, autosomal recessive (SCDO3). Also called: LFNG-Related Spondylocostal Dysostosis, Autosomal Recessive. Identifiers: Orphanet 2311, MedGen C1853296, MONDO:0012349, OMIM 609813.

Allele frequency attached by ClinVar (database versions not stated): ExAC 0.00001; gnomAD exomes 0.00002.
gnomAD v4.1: 15 of 1,612,834 alleles (0.00093%); highest among the groups gnomAD compares: East Asian, 0.0045%; no homozygotes.

Submission:

Labcorp Genetics (formerly Invitae), Labcorp
Classification: Uncertain significance for Spondylocostal dysostosis 3, autosomal recessive. Last evaluated: 2020-06-26. Review status: criteria provided, single submitter. Criteria: Invitae Variant Classification Sherloc (09022015). Collection method: clinical testing. Allele origin: germline.
Comment: This variant has not been reported in the literature in individuals with LFNG-related conditions. This variant is present in population databases (rs771675182, ExAC 0.006%). Algorithms developed to predict the effect of missense changes on protein structure and function are either unavailable or do not agree on the potential impact of this missense change (SIFT: "Deleterious"; PolyPhen-2: "Possibly Damaging"; Align-GVGD: "Class C0"). This sequence change replaces arginine with histidine at codon 174 of the LFNG protein (p.Arg174His). The arginine residue is highly conserved and there is a small physicochemical difference between arginine and histidine. In summary, the available evidence is currently insufficient to determine the role of this variant in disease. Therefore, it has been classified as a Variant of Uncertain Significance.

NM_001040167.2(LFNG):c.521G>A (p.Arg174His)

Gene: LFNG (LFNG O-fucosylpeptide 3-beta-N-acetylglucosaminyltransferase; plus strand). Cytogenetic location: 7p22.3.
Variant type: single nucleotide variant.
Coding change: c.521G>A on transcript NM_001040167.2 (MANE Select); coding-DNA position 521, G replaced by A.
Protein change: p.Arg174His; replaces arginine 174 with histidine.
Molecular consequence: missense variant.
Genome position (GRCh38, 1-based): chr7:2,525,258, G>A. VCF-style: chr7-2525258-G-A. GRCh37 (hg19) VCF-style: chr7-2564892-G-A.
Other names: c.521G>A, p.Arg174His (NM_001040168.2); c.308G>A, p.Arg103His (NM_001166355.2); c.134G>A, p.Arg45His (NM_002304.3); short protein forms R103H, R174H, R45H.
Identifiers: ClinVar variation 1062453 (VCV001062453.9), dbSNP rs771675182, ClinGen allele CA4126992.